The following is an entry in ClinVar:

ClinVar aggregate classification (germline): Benign/Likely benign. Review status: criteria provided, multiple submitters, no conflicts (2 of 4 stars). 14 submissions from 14 submitters: Benign (10); Likely benign (3). 1 of the submissions does not count toward it. Last evaluated 2026-09-01.

Conditions:
Hypophosphatasia. Also called: Phosphoethanol-aminuria. Identifiers: Orphanet 436, MedGen C0020630, MeSH D007014, MONDO:0018570.
Osteogenesis imperfecta (OI). Identifiers: Orphanet 666, MedGen C0029434, MeSH D010013, MONDO:0019019.

Allele frequency attached by ClinVar (database versions not stated): 1000 Genomes Project 30x 0.00250; 1000 Genomes Project 0.00280; TOPMed 0.00640; ESP Exome Variant Server 0.00880; gnomAD 0.01113.

Submissions (14):

Genomenon, Inc
Classification: Benign for Hypophosphatasia. Last evaluated: 2026-09-01. Review status: criteria provided, single submitter. Criteria: Genomenon Sequence Variant Interpretation Standards - Updated. Collection method: curation. Allele origin: germline. Affected: no.
Comment: ALPL c.1542G>T is a synonymous variant that retains Alanine at codon 514. This variant is present at high allele frequency in population databases. We classify ALPL p.Ala514= (c.1542G>T) as a benign variant.

CeGaT Center for Human Genetics Tuebingen
Classification: Benign. Last evaluated: 2026-05-01. Review status: criteria provided, single submitter. Criteria: CeGaT Center For Human Genetics Tuebingen Variant Classification Criteria Version 2. Collection method: clinical testing. Allele origin: germline. Affected: yes. Observed: 16 variant alleles.
Comment: ALPL: BP4, BP7, BS1, BS2

Labcorp Genetics (formerly Invitae), Labcorp
Classification: Benign. Last evaluated: 2026-02-02. Review status: criteria provided, single submitter. Criteria: Invitae Variant Classification Sherloc (09022015). Collection method: clinical testing. Allele origin: germline.

ARUP Laboratories, Molecular Genetics and Genomics, ARUP Laboratories
Classification: Benign. Last evaluated: 2025-05-06. Review status: criteria provided, single submitter. Criteria: ARUP Molecular Germline Variant Investigation Process 2024. Collection method: clinical testing. Allele origin: germline.

Blueprint Genetics
Classification: Likely benign. Last evaluated: 2024-11-25. Review status: criteria provided, single submitter. Criteria: ACMG Guidelines, 2015. Collection method: clinical testing. Allele origin: germline.

Athena Diagnostics
Classification: Benign. Last evaluated: 2024-04-05. Review status: criteria provided, single submitter. Criteria: Athena Diagnostics Criteria. Collection method: clinical testing. Allele origin: unknown.

Mayo Clinic Laboratories, Mayo Clinic
Classification: Benign. Last evaluated: 2023-03-30. Review status: criteria provided, single submitter. Criteria: ACMG Guidelines, 2015. Collection method: clinical testing. Allele origin: germline. Observed: 11 variant alleles.
Comment: BS1, BS2, BP4, BP7

Genome Diagnostics Laboratory, The Hospital for Sick Children
Classification: Benign for Osteogenesis imperfecta. Last evaluated: 2022-03-15. Review status: criteria provided, single submitter. Criteria: ACMG Guidelines, 2015. Collection method: clinical testing. Allele origin: germline.

GeneDx
Classification: Likely benign. Last evaluated: 2021-10-26. Review status: criteria provided, single submitter. Criteria: GeneDx Variant Classification Process June 2021. Collection method: clinical testing. Allele origin: germline. Affected: yes.

Women's Health and Genetics/Laboratory Corporation of America, LabCorp
Classification: Benign. Last evaluated: 2018-04-13. Review status: criteria provided, single submitter. Criteria: LabCorp Variant Classification Summary - May 2015. Collection method: clinical testing. Allele origin: germline.
Comment: Variant summary: ALPL c.1542G>T alters a non-conserved nucleotide resulting in a synonymous change. 5/5 computational tools predict no significant impact on normal splicing. However, these predictions have yet to be confirmed by functional studies. The variant allele was found at a frequency of 0.0089 in 260566 control chromosomes, predominantly within the Finnish subpopulation at a frequency of 0.018, including 5 homozygotes (in the gnomAD database). The observed variant frequency within Finnish control individuals in the gnomAD database is approximately 5 fold of the estimated maximal expected allele frequency for a pathogenic variant in ALPL causing Hypophosphatasia phenotype (0.0035), strongly suggesting that the variant is a benign polymorphism. c.1542G>T has been reported in the literature in individuals affected with Hypophosphatasia but it was also found in normal controls (Nielson 2011). To our knowledge, no experimental evidence demonstrating an impact on protein function has been reported. One clinical diagnostic laboratory has submitted clinical-significance assessments for this variant to ClinVar after 2014 without evidence for independent evaluation, and classified the variant as likely benign. Based on the evidence outlined above, the variant was classified as benign.

Illumina Laboratory Services, Illumina
Classification: Benign for Hypophosphatasia. Last evaluated: 2018-01-13. Review status: criteria provided, single submitter. Criteria: ICSL Variant Classification Criteria 13 December 2019. Collection method: clinical testing. Allele origin: germline.
Comment: This variant was observed in the ICSL laboratory as part of a predisposition screen in an ostensibly healthy population. It had not been previously curated by ICSL or reported in the Human Gene Mutation Database (HGMD: prior to June 1st, 2018), and was therefore a candidate for classification through an automated scoring system. Utilizing variant allele frequency, disease prevalence and penetrance estimates, and inheritance mode, an automated score was calculated to assess if this variant is too frequent to cause the disease. Based on the score and internal cut-off values, a variant classified as benign is not then subjected to further curation. The score for this variant resulted in a classification of benign for this disease.

Breakthrough Genomics
Classification: Likely benign. Review status: criteria provided, single submitter. Criteria: ACMG Guidelines, 2015. Collection method: not provided. Allele origin: germline. Inheritance: Autosomal recessive inheritance. Affected: yes.

PreventionGenetics, part of Exact Sciences
Classification: Benign. Review status: criteria provided, single submitter. Criteria: ACMG Guidelines, 2015. Collection method: clinical testing. Allele origin: germline.

Natera, Inc.
Classification: Benign for Hypophosphatasia. Last evaluated: 2020-09-16. Review status: no assertion criteria provided. Collection method: clinical testing. Allele origin: germline. Not counted in ClinVar's aggregate classification.

Literature cited by the submitters: PubMed 21956185 (cited by 3 submitters); PubMed 28017821 (cited by Mayo Clinic Laboratories, Mayo Clinic); PubMed 30283886 (cited by Mayo Clinic Laboratories, Mayo Clinic); PubMed 34935951 (cited by Mayo Clinic Laboratories, Mayo Clinic).

NM_000478.6(ALPL):c.1542G>T (p.Ala514=)

Gene: ALPL (alkaline phosphatase, biomineralization associated; plus strand). Cytogenetic location: 1p36.12.
Variant type: single nucleotide variant.
Coding change: c.1542G>T on transcript NM_000478.6 (MANE Select); coding-DNA position 1542, G replaced by T.
Protein change: p.Ala514=; no amino-acid change (alanine 514 retained).
Molecular consequence: synonymous variant.
Genome position (GRCh38, 1-based): chr1:21,577,615, G>T. VCF-style: chr1-21577615-G-T. GRCh37 (hg19) VCF-style: chr1-21904108-G-T.
Other names: p.Ala514=; c.1377G>T, p.Ala459= (NM_001127501.4); c.1311G>T, p.Ala437= (NM_001177520.3); c.1542G>T, p.Ala514= (NM_001369803.2, NM_001369804.2, NM_001369805.2).
Identifiers: ClinVar variation 256229 (VCV000256229.63), dbSNP rs3200256, ClinGen allele CA666877.
Genomic context (GRCh38, chr1:21,577,615, plus strand): 5'-CGGCCACTGTGCTCCTGCCAGCTCGGCAGGCAGCCTTGCTGCAGGCCCCCTGCTGCTCGC[G>T]CTGGCCCTCTACCCCCTGAGCGTCCTGTTCTGAGGGCCCAGGGCCCGGGCACCCACAAGC-3'
Protein context (NP_000469.3, residues 504-524): GSLAAGPLLL[Ala514=]LALYPLSVLF